The following is an entry in ClinVar:

ClinVar aggregate classification (germline): Uncertain significance (1 of 4 stars; one submission).

Submission:

Labcorp Genetics (formerly Invitae), Labcorp
Classification: Uncertain significance. Last evaluated: 2021-09-15. Review status: criteria provided, single submitter. Criteria: Invitae Variant Classification Sherloc (09022015). Collection method: clinical testing. Allele origin: germline.
Comment: Algorithms developed to predict the effect of sequence changes on RNA splicing suggest that this variant may disrupt the consensus splice site. In summary, the available evidence is currently insufficient to determine the role of this variant in disease. Therefore, it has been classified as a Variant of Uncertain Significance. This variant has not been reported in the literature in individuals affected with COL2A1-related conditions. This sequence change falls in intron 1 of the COL2A1 gene. It does not directly change the encoded amino acid sequence of the COL2A1 protein. This variant is not present in population databases (ExAC no frequency).

NM_001844.5(COL2A1):c.86-7G>A

Gene: COL2A1 (collagen type II alpha 1 chain; minus strand). Cytogenetic location: 12q13.11.
Variant type: single nucleotide variant.
Coding change: c.86-7G>A on transcript NM_001844.5 (MANE Select); 7 bases into the intron before coding-DNA position 86, G replaced by A.
Molecular consequence: intron variant.
Genome position (GRCh38, 1-based): chr12:48,000,132, C>T on the plus strand (G>A on the coding strand, the complement: COL2A1 is on the minus strand). VCF-style: chr12-48000132-C-T. GRCh37 (hg19) VCF-style: chr12-48393915-C-T.
Other names: c.86-1701G>A (NM_033150.3).
Identifiers: ClinVar variation 1416309 (VCV001416309.6), dbSNP rs2136637630, ClinGen allele CA2573148730.
Genomic context (GRCh38, chr12:48,000,132, plus strand): 5'-ACACATCCTTATCATTATACCTCTGCCCATCCTGCACACAGCTGCCAGCCTCCTCTGCAC[C>T]AAGGGTGGGGAGGGAGAAGCAGAGAGCCAAGGGAAGGAGGGGGTGGGGAGCCAGAGAGAA-3'